The following is an entry in ClinVar:

ClinVar aggregate classification (germline): Likely benign (1 of 4 stars; one submission).

Allele frequency attached by ClinVar (database versions not stated): 1000 Genomes Project 30x 0.00187; 1000 Genomes Project 0.00200; TOPMed 0.00507; ESP Exome Variant Server 0.00679; ExAC 0.00806; gnomAD 0.00850.
gnomAD v4.1: 14,287 of 1,551,128 alleles (0.92%); highest among the groups gnomAD compares: Non-Finnish European, 0.96%; 115 homozygotes.

Submission:

CeGaT Center for Human Genetics Tuebingen
Classification: Likely benign. Last evaluated: 2023-04-01. Review status: criteria provided, single submitter. Criteria: CeGaT Center For Human Genetics Tuebingen Variant Classification Criteria Version 2. Collection method: clinical testing. Allele origin: germline. Affected: yes. Observed: 1 variant allele.
Comment: LRRC69: BP4, BP7, BS2

NM_001129890.2(LRRC69):c.696A>C (p.Pro232=)

Gene: LRRC69 (leucine rich repeat containing 69; plus strand). Cytogenetic location: 8q21.3.
Variant type: single nucleotide variant.
Coding change: c.696A>C on transcript NM_001129890.2 (MANE Select); coding-DNA position 696, A replaced by C.
Protein change: p.Pro232=; no amino-acid change (proline 232 retained).
Molecular consequence: synonymous variant. On other transcripts: non-coding transcript variant (1).
Genome position (GRCh38, 1-based): chr8:91,189,566, A>C. VCF-style: chr8-91189566-A-C. GRCh37 (hg19) VCF-style: chr8-92201794-A-C.
Other names: c.228A>C, p.Pro76= (NM_001354470.2).
Identifiers: ClinVar variation 2658686 (VCV002658686.24), dbSNP rs182104008, ClinGen allele CA4804978.